The following is an entry in ClinVar:

ClinVar aggregate classification (germline): Conflicting classifications of pathogenicity. Review status: criteria provided, conflicting classifications (1 of 4 stars). 7 submissions from 7 submitters: Pathogenic (1); Likely pathogenic (4); Uncertain significance (1). 1 of the submissions does not count toward it. Last evaluated 2026-06-11.

Conditions:
Retinitis pigmentosa 39 (RP39). Identifiers: Orphanet 791, MedGen C3151138, MONDO:0013436, OMIM 613809.
Usher syndrome type 2A. Also called: USHER SYNDROME, TYPE IIA; RETINAL DISEASE IN USHER SYNDROME TYPE IIA, MODIFIER OF. Identifiers: Orphanet 231178, Orphanet 886, MedGen C1848634, MONDO:0010169, OMIM 276901.
USH2A-related disorder. Also called: USH2A-related disorders; USH2A-related condition. Identifiers: MedGen CN239332.

Allele frequency attached by ClinVar (database versions not stated): TOPMed below 0.00001; ExAC 0.00001; gnomAD 0.00002 and 0.00003; gnomAD exomes 0.00002.
gnomAD v4.1: 21 of 1,613,954 alleles (0.0013%); highest among the groups gnomAD compares: Admixed American, 0.005%; no homozygotes.

Submissions (7):

Myriad Genetics, Inc.
Classification: Uncertain significance for USH2A-related disorder. Last evaluated: 2026-06-11. Review status: criteria provided, single submitter. Criteria: Myriad Autosomal Dominant, Autosomal Recessive and X-Linked Classification Criteria (2023). Collection method: clinical testing. Allele origin: unknown.
Comment: NM_206933.2(USH2A):c.7871C>T(P2624L) is a missense variant classified as a variant of uncertain significance in the context of USH2A-related disorders. P2624L has been observed in a case with relevant disease (PMID: 28000701, 29625443, 32675063). Relevant functional assessments of this variant are not available in the literature. P2624L has been observed in referenced population frequency databases. In summary, there is insufficient evidence to classify NM_206933.2(USH2A):c.7871C>T(P2624L) as pathogenic or benign. Please note: this variant was assessed in the context of healthy population screening.

Natera, Inc.
Classification: Likely pathogenic for Usher syndrome type 2A. Last evaluated: 2025-03-20. Review status: criteria provided, single submitter. Criteria: Natera Variant Classification Schema (03/2026). Collection method: clinical testing. Allele origin: germline.
Comment: The c.7871C>T variant in USH2A is a missense variant predicted to cause substitution of proline to leucine at amino acid 2624. This variant is rare in the general population with a frequency below the threshold expected for the associated phenotype(s). This variant has been observed in one or more individuals affected with the associated recessive disease, as either homozygous or compound heterozygous with a second variant (PMID: 32675063, 29625443). This variant has been identified in one or more affected individuals with a phenotype highly consistent with the associated gene (PMID: 29625443). Computational prediction algorithms indicate this variant is likely to affect gene or protein function. Given the available evidence, this variant is classified as Likely Pathogenic.

Fulgent Genetics
Classification: Likely pathogenic for Usher syndrome type 2A; Retinitis pigmentosa 39. Last evaluated: 2024-01-30. Review status: criteria provided, single submitter. Criteria: ACMG Guidelines, 2015. Collection method: clinical testing. Allele origin: germline.

Blueprint Genetics
Classification: Likely pathogenic for USH2A-related disorders. Last evaluated: 2024-01-11. Review status: criteria provided, single submitter. Criteria: ACMG Guidelines, 2015. Collection method: clinical testing. Allele origin: germline. Affected: yes. Observed: 4 variant alleles.

Baylor Genetics
Classification: Likely pathogenic for Retinitis pigmentosa 39. Last evaluated: 2023-12-10. Review status: criteria provided, single submitter. Criteria: ACMG Guidelines, 2015. Collection method: clinical testing. Allele origin: unknown.

Labcorp Genetics (formerly Invitae), Labcorp
Classification: Pathogenic. Last evaluated: 2023-11-10. Review status: criteria provided, single submitter. Criteria: Invitae Variant Classification Sherloc (09022015). Collection method: clinical testing. Allele origin: germline.
Comment: This sequence change replaces proline, which is neutral and non-polar, with leucine, which is neutral and non-polar, at codon 2624 of the USH2A protein (p.Pro2624Leu). This variant is present in population databases (rs748455430, gnomAD 0.01%). This missense change has been observed in individual(s) with deafness, non-syndromic retinitis pigmentosa, and/or Usher syndrome (PMID: 28000701, 29625443, 32675063). In at least one individual the data is consistent with being in trans (on the opposite chromosome) from a pathogenic variant. ClinVar contains an entry for this variant (Variation ID: 555391). Advanced modeling of protein sequence and biophysical properties (such as structural, functional, and spatial information, amino acid conservation, physicochemical variation, residue mobility, and thermodynamic stability) performed at Invitae indicates that this missense variant is expected to disrupt USH2A protein function with a positive predictive value of 95%. For these reasons, this variant has been classified as Pathogenic.

Counsyl
Classification: Uncertain significance for Usher syndrome type 2A; Retinitis pigmentosa 39. Last evaluated: 2017-12-04. Review status: flagged submission. Collection method: clinical testing. Allele origin: unknown. Not counted in ClinVar's aggregate classification.
ClinVar note: Reason: Older claim that does not account for recent evidence

Literature cited by the submitters: PubMed 28000701 (cited by 3 submitters); PubMed 29625443 (cited by 3 submitters); PubMed 32675063 (cited by 3 submitters).

NM_206933.4(USH2A):c.7871C>T (p.Pro2624Leu)

Gene: USH2A (usherin; minus strand). Cytogenetic location: 1q41.
Variant type: single nucleotide variant.
Coding change: c.7871C>T on transcript NM_206933.4 (MANE Select); coding-DNA position 7871, C replaced by T.
Protein change: p.Pro2624Leu; replaces proline 2624 with leucine.
Molecular consequence: missense variant.
Genome position (GRCh38, 1-based): chr1:215,888,778, G>A on the plus strand (C>T on the coding strand, the complement: USH2A is on the minus strand). VCF-style: chr1-215888778-G-A. GRCh37 (hg19) VCF-style: chr1-216062120-G-A.
Other names: short protein forms P2624L.
Identifiers: ClinVar variation 555391 (VCV000555391.14), dbSNP rs748455430, ClinGen allele CA1394727.